The following is an entry in ClinVar:

NM_002299.4(LCT):c.1993G>A (p.Glu665Lys)

Gene: LCT (lactase; minus strand). Cytogenetic location: 2q21.3.
Variant type: single nucleotide variant.
Coding change: c.1993G>A on transcript NM_002299.4 (MANE Select); coding-DNA position 1993, G replaced by A.
Protein change: p.Glu665Lys; replaces glutamic acid 665 with lysine.
Molecular consequence: missense variant.
Genome position (GRCh38, 1-based): chr2:135,812,671, C>T on the plus strand (G>A on the coding strand, the complement: LCT is on the minus strand). VCF-style: chr2-135812671-C-T. GRCh37 (hg19) VCF-style: chr2-136570241-C-T.
Other names: short protein forms E665K.
Identifiers: ClinVar variation 1940667 (VCV001940667.5), dbSNP rs200439020, ClinGen allele CA1888310.
Genomic context (GRCh38, chr2:135,812,671, plus strand): 5'-GCGACAGACCCAGAAAATCAGCAGAGCCTTTCAGGAGCTGCTTCTCTGCCTCTGTGAACT[C>T]GGGGAGTTGAGCCACAGGATGGGAGCACTGTCTGTTCATCTGTTGGATCTGGGTCCTCAG-3'
Protein context (NP_002290.2, residues 655-675): QCSHPVAQLP[Glu665Lys]FTEAEKQLLK

ClinVar aggregate classification (germline): Uncertain significance. Review status: criteria provided, multiple submitters, no conflicts (2 of 4 stars). 2 submissions from 2 submitters: Uncertain significance (2). Last evaluated 2025-10-07.

Conditions:
Inborn genetic diseases. Identifiers: MedGen C0950123, MeSH D030342.

Allele frequency attached by ClinVar (database versions not stated): ExAC 0.00013; gnomAD 0.00007; TOPMed 0.00007; gnomAD exomes 0.00008.
gnomAD v4.1: 128 of 1,613,348 alleles (0.0079%); highest among the groups gnomAD compares: Middle Eastern, 0.017%; no homozygotes.

Submissions (2):

Ambry Genetics
Classification: Uncertain significance for Inborn genetic diseases. Last evaluated: 2025-10-07. Review status: criteria provided, single submitter. Criteria: Ambry Variant Classification Scheme 2023. Collection method: clinical testing. Allele origin: germline.

Labcorp Genetics (formerly Invitae), Labcorp
Classification: Uncertain significance. Last evaluated: 2024-10-07. Review status: criteria provided, single submitter. Criteria: Invitae Variant Classification Sherloc (09022015). Collection method: clinical testing. Allele origin: germline.
Comment: This sequence change replaces glutamic acid, which is acidic and polar, with lysine, which is basic and polar, at codon 665 of the LCT protein (p.Glu665Lys). This variant is present in population databases (rs200439020, gnomAD 0.02%). This variant has not been reported in the literature in individuals affected with LCT-related conditions. ClinVar contains an entry for this variant (Variation ID: 1940667). An algorithm developed to predict the effect of missense changes on protein structure and function outputs the following: PolyPhen-2: "Benign". The lysine amino acid residue is found in multiple mammalian species, which suggests that this missense change does not adversely affect protein function. In summary, the available evidence is currently insufficient to determine the role of this variant in disease. Therefore, it has been classified as a Variant of Uncertain Significance.